The following is an entry in ClinVar:

NM_001201543.2(FAM161A):c.1366C>G (p.Pro456Ala)

Gene: FAM161A (FAM161 centrosomal protein A; minus strand). Cytogenetic location: 2p15.
Variant type: single nucleotide variant.
Coding change: c.1366C>G on transcript NM_001201543.2 (MANE Select); coding-DNA position 1366, C replaced by G.
Protein change: p.Pro456Ala; replaces proline 456 with alanine.
Molecular consequence: missense variant. On other transcripts: non-coding transcript variant (1).
Genome position (GRCh38, 1-based): chr2:61,839,638, G>C on the plus strand (C>G on the coding strand, the complement: FAM161A is on the minus strand). VCF-style: chr2-61839638-G-C. GRCh37 (hg19) VCF-style: chr2-62066773-G-C.
Other names: c.1366C>G, p.Pro456Ala (NM_032180.3); c.1366C>G (NM_001201543.1); short protein forms P456A.
Identifiers: ClinVar variation 1352746 (VCV001352746.6), dbSNP rs377049099, ClinGen allele CA1679168.
Genomic context (GRCh38, chr2:61,839,638, plus strand): 5'-TGTCTGCCAAAATTTTTTCTCTTTTAATAGATGCATGTGGAGATGCATGAAGATCAAATG[G>C]TTTACACACTGTTAAGAGTTTTGGAGACTTGTGTTCTGAGAGGTGTTTCTGGTATCTCTC-3'
Protein context (NP_001188472.1, residues 446-466): KSPKLLTVCK[Pro456Ala]FDLHASPHAS

ClinVar aggregate classification (germline): Uncertain significance. Review status: criteria provided, multiple submitters, no conflicts (2 of 4 stars). 2 submissions from 2 submitters: Uncertain significance (2). Last evaluated 2025-05-23.

Conditions:
Inborn genetic diseases. Identifiers: MedGen C0950123, MeSH D030342.

Allele frequency attached by ClinVar (database versions not stated): gnomAD 0.00001; ESP Exome Variant Server 0.00008; gnomAD exomes below 0.00001; ExAC 0.00001.
gnomAD v4.1: 1 of 1,614,054 alleles (0.000062%); highest among the groups gnomAD compares: Non-Finnish European, 0.000085%; no homozygotes.

Submissions (2):

Ambry Genetics
Classification: Uncertain significance for Inborn genetic diseases. Last evaluated: 2025-05-23. Review status: criteria provided, single submitter. Criteria: Ambry Variant Classification Scheme 2023. Collection method: clinical testing. Allele origin: germline.

Labcorp Genetics (formerly Invitae), Labcorp
Classification: Uncertain significance. Last evaluated: 2022-06-13. Review status: criteria provided, single submitter. Criteria: Invitae Variant Classification Sherloc (09022015). Collection method: clinical testing. Allele origin: germline.
Comment: This sequence change replaces proline, which is neutral and non-polar, with alanine, which is neutral and non-polar, at codon 456 of the FAM161A protein (p.Pro456Ala). This variant is present in population databases (rs377049099, gnomAD 0.006%). This variant has not been reported in the literature in individuals affected with FAM161A-related conditions. Algorithms developed to predict the effect of missense changes on protein structure and function are either unavailable or do not agree on the potential impact of this missense change (SIFT: "Deleterious"; PolyPhen-2: "Possibly Damaging"; Align-GVGD: "Class C0"). In summary, the available evidence is currently insufficient to determine the role of this variant in disease. Therefore, it has been classified as a Variant of Uncertain Significance.